The following is an entry in ClinVar:

NM_199420.4(POLQ):c.3866C>G (p.Ser1289Cys)

Gene: POLQ (DNA polymerase theta; minus strand). Cytogenetic location: 3q13.33.
Variant type: single nucleotide variant.
Coding change: c.3866C>G on transcript NM_199420.4 (MANE Select); coding-DNA position 3866, C replaced by G.
Protein change: p.Ser1289Cys; replaces serine 1289 with cysteine.
Molecular consequence: missense variant.
Genome position (GRCh38, 1-based): chr3:121,489,065, G>C on the plus strand (C>G on the coding strand, the complement: POLQ is on the minus strand). VCF-style: chr3-121489065-G-C. GRCh37 (hg19) VCF-style: chr3-121207912-G-C.
Other names: short protein forms S1289C.
Identifiers: ClinVar variation 3229972 (VCV003229972.1), dbSNP rs1237042966, ClinGen allele CA354096831.

ClinVar aggregate classification (germline): Uncertain significance (1 of 4 stars; one submission).

Submission:

Ambry Genetics
Classification: Uncertain significance. Last evaluated: 2023-10-12. Review status: criteria provided, single submitter. Criteria: Ambry Variant Classification Scheme 2023. Collection method: clinical testing. Allele origin: germline.
Comment: The p.S1289C variant (also known as c.3866C>G), located in coding exon 16 of the POLQ gene, results from a C to G substitution at nucleotide position 3866. The serine at codon 1289 is replaced by cysteine, an amino acid with dissimilar properties. This amino acid position is conserved. In addition, this alteration is predicted to be tolerated by in silico analysis. Since supporting evidence is limited at this time, the clinical significance of this alteration remains unclear.